The following is an entry in ClinVar:

ClinVar aggregate classification (germline): Uncertain significance (1 of 4 stars; one submission).

Conditions:
Fanconi anemia complementation group O. Also called: RAD51C-Related Fanconi Anemia. Identifiers: Orphanet 84, MedGen C3150653, MONDO:0013248, OMIM 613390.

Submission:

Labcorp Genetics (formerly Invitae), Labcorp
Classification: Uncertain significance for Fanconi anemia complementation group O. Last evaluated: 2022-03-06. Review status: criteria provided, single submitter. Criteria: Invitae Variant Classification Sherloc (09022015). Collection method: clinical testing. Allele origin: germline.
Comment: This variant has not been reported in the literature in individuals affected with RAD51C-related conditions. This variant is not present in population databases (gnomAD no frequency). This variant, c.1000_1002del, results in the deletion of 1 amino acid(s) of the RAD51C protein (p.Glu334del), but otherwise preserves the integrity of the reading frame. Algorithms developed to predict the effect of sequence changes on RNA splicing suggest that this variant may disrupt the consensus splice site. In summary, the available evidence is currently insufficient to determine the role of this variant in disease. Therefore, it has been classified as a Variant of Uncertain Significance.

NM_058216.3(RAD51C):c.1000_1002del (p.Glu334del)

Gene: RAD51C (RAD51 paralog C; plus strand). Cytogenetic location: 17q22.
Variant type: Deletion.
Coding change: c.1000_1002del on transcript NM_058216.3 (MANE Select); coding-DNA positions 1000 to 1002, 3 bases deleted (GAA; older notation c.1000_1002delGAA).
Protein change: p.Glu334del; deletes glutamic acid 334.
Molecular consequence: inframe deletion. On other transcripts: non-coding transcript variant (1).
Genome position (GRCh38, 1-based): chr17:58,732,518-58,732,520, GAA deleted. VCF-style (leftmost placement, unchanged base first): chr17-58732517-GGAA-G. GRCh37 (hg19) VCF-style: chr17-56809878-GGAA-G.
Other names: c.*428_*430delGAA (NM_058217.1); short protein forms E334del.
Identifiers: ClinVar variation 2166798 (VCV002166798.4), dbSNP rs2509364226, ClinGen allele CA2580094398.
Genomic context (GRCh38, chr17:58,732,517, plus strand): 5'-ATGTATTTATTCTTTTTCTTTAAGCAGGTTGGCAACATTGTACAAGTCACCCAGCCAGAA[GGAA>G]TGCACAGTACTGTTTCAAATCAAAGTCAGTATTATTTGATTAGAGTGGGATTTTGATATT-3'